The following is an entry in ClinVar:

ClinVar aggregate classification (germline): Uncertain significance. Review status: criteria provided, multiple submitters, no conflicts (2 of 4 stars). 2 submissions from 2 submitters: Uncertain significance (2). Last evaluated 2022-08-11.

Conditions:
Inborn genetic diseases. Identifiers: MedGen C0950123, MeSH D030342.
Joubert syndrome 21 (JBTS21). Identifiers: MedGen C3810212, MONDO:0014288, OMIM 615636.

Allele frequency attached by ClinVar (database versions not stated): gnomAD exomes below 0.00001 and 0.00001.
gnomAD v4.1: 5 of 1,610,438 alleles (0.00031%); highest among the groups gnomAD compares: Admixed American, 0.0017%; no homozygotes.

Submissions (2):

Ambry Genetics
Classification: Uncertain significance for Inborn genetic diseases. Last evaluated: 2022-08-11. Review status: criteria provided, single submitter. Criteria: Ambry Variant Classification Scheme 2023. Collection method: clinical testing. Allele origin: germline.

Labcorp Genetics (formerly Invitae), Labcorp
Classification: Uncertain significance for Joubert syndrome 21. Last evaluated: 2022-03-02. Review status: criteria provided, single submitter. Criteria: Invitae Variant Classification Sherloc (09022015). Collection method: clinical testing. Allele origin: germline.
Comment: This sequence change replaces isoleucine, which is neutral and non-polar, with threonine, which is neutral and polar, at codon 381 of the CSPP1 protein (p.Ile381Thr). This variant is present in population databases (no rsID available, gnomAD 0.003%). This variant has not been reported in the literature in individuals affected with CSPP1-related conditions. Algorithms developed to predict the effect of missense changes on protein structure and function output the following: SIFT: "Tolerated"; PolyPhen-2: "Benign"; Align-GVGD: "Class C0". The threonine amino acid residue is found in multiple mammalian species, which suggests that this missense change does not adversely affect protein function. In summary, the available evidence is currently insufficient to determine the role of this variant in disease. Therefore, it has been classified as a Variant of Uncertain Significance.

NM_001382391.1(CSPP1):c.1115T>C (p.Ile372Thr)

Gene: CSPP1 (centrosome and spindle pole associated protein 1; plus strand). Cytogenetic location: 8q13.2.
Variant type: single nucleotide variant.
Coding change: c.1115T>C on transcript NM_001382391.1 (MANE Select); coding-DNA position 1115, T replaced by C.
Protein change: p.Ile372Thr; replaces isoleucine 372 with threonine.
Molecular consequence: missense variant.
Genome position (GRCh38, 1-based): chr8:67,111,993, T>C. VCF-style: chr8-67111993-T-C. GRCh37 (hg19) VCF-style: chr8-68024228-T-C.
Other names: c.260T>C, p.Ile87Thr (NM_001291339.2); c.1034T>C, p.Ile345Thr (NM_001363131.2, NM_001363133.2); c.1115T>C, p.Ile372Thr (NM_001363132.2); c.1223T>C, p.Ile408Thr (NM_001364869.1); c.1043T>C, p.Ile348Thr (NM_001364870.1); c.1142T>C, p.Ile381Thr (NM_024790.7); short protein forms I408T, I348T, I372T, I345T, I381T, I87T.
Identifiers: ClinVar variation 1506820 (VCV001506820.4), dbSNP rs1445583372, ClinGen allele CA371196493.
Genomic context (GRCh38, chr8:67,111,993, plus strand): 5'-TAAGAGTTAAGATTGTATTTTTCTCATACCACTATCTAGGAGGTGAAGATCGAGAACTTA[T>C]TCAGAGAAGGAAAGAGAAATACAGACTAGAACTGTTGGAACAAATGGCTGAGCAACAGAG-3'
Protein context (NP_001369320.1, residues 362-382): MLFGGEDREL[Ile372Thr]QRRKEKYRLE